The following is an entry in ClinVar:

NM_000384.3(APOB):c.7446A>C (p.Glu2482Asp)

Gene: APOB (apolipoprotein B; minus strand). Cytogenetic location: 2p24.1.
Variant type: single nucleotide variant.
Coding change: c.7446A>C on transcript NM_000384.3 (MANE Select); coding-DNA position 7446, A replaced by C.
Protein change: p.Glu2482Asp; replaces glutamic acid 2482 with aspartic acid.
Molecular consequence: missense variant.
Genome position (GRCh38, 1-based): chr2:21,009,422, T>G on the plus strand (A>C on the coding strand, the complement: APOB is on the minus strand). VCF-style: chr2-21009422-T-G. GRCh37 (hg19) VCF-style: chr2-21232294-T-G.
Other names: short protein forms E2482D.
Identifiers: ClinVar variation 1758945 (VCV001758945.2), dbSNP rs1281732110, ClinGen allele CA345997143.
Genomic context (GRCh38, chr2:21,009,422, plus strand): 5'-TGAACTTAAAGCCTCCTGTAACCAATTGATGATTAAGGTTATTTTGGTGTCCTGTAGGCT[T>G]TCCAGATACACTGCAACTGTGGCCTTGGTTTCCTCTAAAAACAGTTTTAATGCTTCAGCT-3'
Protein context (NP_000375.3, residues 2472-2492): ETKATVAVYL[Glu2482Asp]SLQDTKITLI

ClinVar aggregate classification (germline): Uncertain significance (1 of 4 stars; one submission).

Conditions:
Cardiovascular phenotype. Identifiers: MedGen CN230736.

gnomAD v4.1: 3 of 1,614,082 alleles (0.00019%); highest among the groups gnomAD compares: Non-Finnish European, 0.00025%; no homozygotes.

Submission:

Ambry Genetics
Classification: Uncertain significance for Cardiovascular phenotype. Last evaluated: 2021-08-16. Review status: criteria provided, single submitter. Criteria: Ambry Variant Classification Scheme 2023. Collection method: clinical testing. Allele origin: germline.
Comment: The p.E2482D variant (also known as c.7446A>C), located in coding exon 26 of the APOB gene, results from an A to C substitution at nucleotide position 7446. The glutamic acid at codon 2482 is replaced by aspartic acid, an amino acid with highly similar properties. This amino acid position is conserved. In addition, this alteration is predicted to be tolerated by in silico analysis. Since supporting evidence is limited at this time, the clinical significance of this alteration remains unclear.